The following is an entry in ClinVar:

NM_001146.5(ANGPT1):c.319A>T (p.Asn107Tyr)

Gene: ANGPT1 (angiopoietin 1; minus strand). Cytogenetic location: 8q23.1.
Variant type: single nucleotide variant.
Coding change: c.319A>T on transcript NM_001146.5 (MANE Select); coding-DNA position 319, A replaced by T.
Protein change: p.Asn107Tyr; replaces asparagine 107 with tyrosine.
Molecular consequence: missense variant.
Genome position (GRCh38, 1-based): chr8:107,347,076, T>A on the plus strand (A>T on the coding strand, the complement: ANGPT1 is on the minus strand). VCF-style: chr8-107347076-T-A. GRCh37 (hg19) VCF-style: chr8-108359304-T-A.
Other names: c.319A>T, p.Asn107Tyr (NM_001199859.3); short protein forms N107Y.
Identifiers: ClinVar variation 1398065 (VCV001398065.8), dbSNP rs756267978, ClinGen allele CA4841392.
Genomic context (GRCh38, chr8:107,347,076, plus strand): 5'-TGGTAGCCGTGTGGTTCTGAACTGCATTCTGCTGTATCTGGGCCATCTCCGACTTCATGT[T>A]TTCCACAATGTAATTCTCAAGCTGCAAGAGATAAAGAACAAAACATATTACATTATAAGC-3'
Protein context (NP_001137.2, residues 97-117): LQKLENYIVE[Asn107Tyr]MKSEMAQIQQ

ClinVar aggregate classification (germline): Uncertain significance (1 of 4 stars; one submission).

Allele frequency attached by ClinVar (database versions not stated): gnomAD exomes 0.00001; ExAC 0.00002.
gnomAD v4.1: 3 of 1,613,470 alleles (0.00019%); highest among the groups gnomAD compares: South Asian, 0.0022%; no homozygotes.

Submission:

Labcorp Genetics (formerly Invitae), Labcorp
Classification: Uncertain significance. Last evaluated: 2020-12-18. Review status: criteria provided, single submitter. Criteria: Invitae Variant Classification Sherloc (09022015). Collection method: clinical testing. Allele origin: germline.
Comment: This sequence change replaces asparagine with tyrosine at codon 107 of the ANGPT1 protein (p.Asn107Tyr). The asparagine residue is highly conserved and there is a large physicochemical difference between asparagine and tyrosine. In summary, the available evidence is currently insufficient to determine the role of this variant in disease. Therefore, it has been classified as a Variant of Uncertain Significance. Algorithms developed to predict the effect of missense changes on protein structure and function (SIFT, PolyPhen-2, Align-GVGD) all suggest that this variant is likely to be disruptive, but these predictions have not been confirmed by published functional studies and their clinical significance is uncertain. This variant has not been reported in the literature in individuals with ANGPT1-related conditions. This variant is present in population databases (rs756267978, ExAC 0.01%).